The following is an entry in ClinVar:

NM_000051.4(ATM):c.730G>A (p.Ala244Thr)

Gene: ATM (ATM serine/threonine kinase; plus strand). Cytogenetic location: 11q22.3.
Variant type: single nucleotide variant.
Coding change: c.730G>A on transcript NM_000051.4 (MANE Select); coding-DNA position 730, G replaced by A.
Protein change: p.Ala244Thr; replaces alanine 244 with threonine.
Molecular consequence: missense variant.
Genome position (GRCh38, 1-based): chr11:108,244,855, G>A. VCF-style: chr11-108244855-G-A. GRCh37 (hg19) VCF-style: chr11-108115582-G-A.
Other names: c.730G>A, p.Ala244Thr (NM_001351834.2); c.730G>A (NM_000051.3); short protein forms A244T.
Identifiers: ClinVar variation 1035891 (VCV001035891.7), dbSNP rs2079760518, ClinGen allele CA382529231.

ClinVar aggregate classification (germline): Conflicting classifications of pathogenicity. Review status: criteria provided, conflicting classifications (1 of 4 stars). 2 submissions from 2 submitters: Uncertain significance (1); Likely benign (1). Last evaluated 2024-04-13.

Conditions:
Hereditary cancer-predisposing syndrome. Also called: Neoplastic Syndromes, Hereditary; Hereditary Cancer Syndrome; Tumor predisposition; Hereditary neoplastic syndrome. Identifiers: Orphanet 140162, MedGen C0027672, MeSH D009386, MONDO:0015356.
Ataxia-telangiectasia syndrome (AT). Also called: Ataxia-telangiectasia, complementation group D; ATAXIA-TELANGIECTASIA, COMPLEMENTATION GROUP A; ATAXIA-TELANGIECTASIA, FRESNO VARIANT; Ataxia-telangiectasia; Ataxia-telangiectasia, complementation group E; LOUIS-BAR SYNDROME. Identifiers: Orphanet 100, MedGen C0004135, MONDO:0008840, OMIM 208900.

Allele frequency attached by ClinVar (database versions not stated): gnomAD exomes below 0.00001.

Submissions (2):

Labcorp Genetics (formerly Invitae), Labcorp
Classification: Uncertain significance for Ataxia-telangiectasia syndrome. Last evaluated: 2024-04-13. Review status: criteria provided, single submitter. Criteria: Invitae Variant Classification Sherloc (09022015). Collection method: clinical testing. Allele origin: germline.
Comment: This sequence change replaces alanine, which is neutral and non-polar, with threonine, which is neutral and polar, at codon 244 of the ATM protein (p.Ala244Thr). This variant is not present in population databases (gnomAD no frequency). This variant has not been reported in the literature in individuals affected with ATM-related conditions. ClinVar contains an entry for this variant (Variation ID: 1035891). An algorithm developed to predict the effect of missense changes on protein structure and function (PolyPhen-2) suggests that this variant is likely to be tolerated. In summary, the available evidence is currently insufficient to determine the role of this variant in disease. Therefore, it has been classified as a Variant of Uncertain Significance.

Ambry Genetics
Classification: Likely benign for Hereditary cancer-predisposing syndrome. Last evaluated: 2024-04-05. Review status: criteria provided, single submitter. Criteria: Ambry Variant Classification Scheme 2023. Collection method: clinical testing. Allele origin: germline.